The following is an entry in ClinVar:

ClinVar aggregate classification (germline): Uncertain significance (1 of 4 stars; one submission).

Conditions:
Hereditary cancer-predisposing syndrome. Also called: Neoplastic Syndromes, Hereditary; Tumor predisposition; Hereditary neoplastic syndrome; Hereditary Cancer Syndrome. Identifiers: Orphanet 140162, MedGen C0027672, MeSH D009386, MONDO:0015356.

Submission:

Ambry Genetics
Classification: Uncertain significance for Hereditary cancer-predisposing syndrome. Last evaluated: 2026-06-23. Review status: criteria provided, single submitter. Criteria: Ambry Variant Classification Scheme 2023. Collection method: clinical testing. Allele origin: germline.
Comment: The p.K550R variant (also known as c.1649A>G), located in coding exon 12 of the SDHA gene, results from an A to G substitution at nucleotide position 1649. The lysine at codon 550 is replaced by arginine, an amino acid with highly similar properties. This amino acid position is highly conserved in available vertebrate species. In addition, this alteration is predicted to be tolerated by in silico analysis. Based on the available evidence, the clinical significance of this variant remains unclear.

NM_004168.4(SDHA):c.1649A>G (p.Lys550Arg)

Gene: SDHA (succinate dehydrogenase complex flavoprotein subunit A; plus strand). Cytogenetic location: 5p15.33.
Variant type: single nucleotide variant.
Coding change: c.1649A>G on transcript NM_004168.4 (MANE Select); coding-DNA position 1649, A replaced by G.
Protein change: p.Lys550Arg; replaces lysine 550 with arginine.
Molecular consequence: missense variant. On other transcripts: intron variant (1).
Genome position (GRCh38, 1-based): chr5:251,089, A>G. VCF-style: chr5-251089-A-G. GRCh37 (hg19) VCF-style: chr5-251204-A-G.
Other names: c.1505A>G, p.Lys502Arg (NM_001294332.2); c.1552-3304A>G (NM_001330758.2); short protein forms K550R, K502R.
Identifiers: ClinVar variation 5029180 (VCV005029180.1).
Genomic context (GRCh38, chr5:251,089, plus strand): 5'-GCGTGTTGCAAGAAGGTTGTGGGAAAATCAGCAAGCTCTATGGAGACCTAAAGCACCTGA[A>G]GACGTTCGACCGGGGTGAGCAGACAGTGGGCTCTGTGCACACTGTTGGGCCCTTCCTTCT-3'
Protein context (NP_004159.2, residues 540-560): SKLYGDLKHL[Lys550Arg]TFDRGMVWNT